The following is an entry in ClinVar:

ClinVar aggregate classification (germline): Uncertain significance. Review status: criteria provided, multiple submitters, no conflicts (2 of 4 stars). 2 submissions from 2 submitters: Uncertain significance (2). Last evaluated 2024-09-03.

Conditions:
Multiple congenital exostosis (EXT). Also called: Hereditary multiple osteochondromas; Hereditary multiple exostoses; Hereditary multiple exostosis; Multiple osteochondromas; Multiple exostoses; MULTIPLE CARTILAGINOUS EXOSTOSES. Identifiers: Orphanet 321, MedGen C0015306, MONDO:0005508, HP:0002762.
Inborn genetic diseases. Identifiers: MedGen C0950123, MeSH D030342.

Allele frequency attached by ClinVar (database versions not stated): gnomAD exomes below 0.00001; ExAC 0.00001; gnomAD 0.00001; TOPMed 0.00001.
gnomAD v4.1: 3 of 1,614,054 alleles (0.00019%); highest among the groups gnomAD compares: Non-Finnish European, 0.00025%; no homozygotes.

Submissions (2):

Ambry Genetics
Classification: Uncertain significance for Inborn genetic diseases. Last evaluated: 2024-09-03. Review status: criteria provided, single submitter. Criteria: Ambry Variant Classification Scheme 2023. Collection method: clinical testing. Allele origin: germline.

Labcorp Genetics (formerly Invitae), Labcorp
Classification: Uncertain significance for Multiple congenital exostosis. Last evaluated: 2021-09-09. Review status: criteria provided, single submitter. Criteria: Invitae Variant Classification Sherloc (09022015). Collection method: clinical testing. Allele origin: germline.
Comment: This sequence change replaces arginine with leucine at codon 99 of the EXT1 protein (p.Arg99Leu). The arginine residue is moderately conserved and there is a moderate physicochemical difference between arginine and leucine. This variant is present in population databases (rs778849200, ExAC 0.001%). This variant has not been reported in the literature in individuals affected with EXT1-related conditions. Advanced modeling of protein sequence and biophysical properties (such as structural, functional, and spatial information, amino acid conservation, physicochemical variation, residue mobility, and thermodynamic stability) performed at Invitae indicates that this missense variant is expected to disrupt EXT1 protein function. In summary, the available evidence is currently insufficient to determine the role of this variant in disease. Therefore, it has been classified as a Variant of Uncertain Significance.

NM_000127.3(EXT1):c.296G>T (p.Arg99Leu)

Gene: EXT1 (exostosin glycosyltransferase 1; minus strand). Cytogenetic location: 8q24.11.
Variant type: single nucleotide variant.
Coding change: c.296G>T on transcript NM_000127.3 (MANE Select); coding-DNA position 296, G replaced by T.
Protein change: p.Arg99Leu; replaces arginine 99 with leucine.
Molecular consequence: missense variant.
Genome position (GRCh38, 1-based): chr8:118,110,751, C>A on the plus strand (G>T on the coding strand, the complement: EXT1 is on the minus strand). VCF-style: chr8-118110751-C-A. GRCh37 (hg19) VCF-style: chr8-119122990-C-A.
Other names: c.296G>T (NM_000127.2); short protein forms R99L.
Identifiers: ClinVar variation 1430187 (VCV001430187.7), dbSNP rs778849200, ClinGen allele CA4854381.